The following is an entry in ClinVar:

ClinVar aggregate classification (germline): Uncertain significance (1 of 4 stars; one submission).

Allele frequency attached by ClinVar (database versions not stated): TOPMed below 0.00001.

Submission:

Women's Health and Genetics/Laboratory Corporation of America, LabCorp
Classification: Uncertain significance. Last evaluated: 2025-02-11. Review status: criteria provided, single submitter. Criteria: LabCorp Variant Classification Summary - May 2015. Collection method: clinical testing. Allele origin: germline.
Comment: Variant summary: ATM c.4110G>A (p.Gly1370Gly) alters a conserved nucleotide located close to a canonical splice site and therefore could affect mRNA splicing, leading to a significantly altered protein sequence. Several computational tools predict a conflicting impact on normal splicing: Four predict the variant weakens the canonical 5' splicing donor site. Other computational tools such as Transcript Inferred Pathogenicity (TraP) and Pangolin predict a neutral impact. However, these predictions have yet to be confirmed by functional studies. The variant was absent in 251346 control chromosomes. The available data on variant occurrences in the general population are insufficient to allow any conclusion about variant significance. To our knowledge, no occurrence of c.4110G>A in individuals affected with Ataxia-Telangiectasia/Breast Cancer and no experimental evidence demonstrating its impact on protein function have been reported. ClinVar contains an entry for this variant (Variation ID: 917806). Based on the evidence outlined above, the variant was classified as uncertain significance.

NM_000051.4(ATM):c.4110G>A (p.Gly1370=)

Gene: ATM (ATM serine/threonine kinase; plus strand). Cytogenetic location: 11q22.3.
Variant type: single nucleotide variant.
Coding change: c.4110G>A on transcript NM_000051.4 (MANE Select); coding-DNA position 4110, G replaced by A.
Protein change: p.Gly1370=; no amino-acid change (glycine 1370 retained).
Molecular consequence: synonymous variant.
Genome position (GRCh38, 1-based): chr11:108,288,977, G>A. VCF-style: chr11-108288977-G-A. GRCh37 (hg19) VCF-style: chr11-108159704-G-A.
Other names: c.4110G>A, p.Gly1370= (NM_001351834.2).
Identifiers: ClinVar variation 917806 (VCV000917806.2), dbSNP rs2082638172, ClinGen allele CA476673670.